The following is an entry in ClinVar:

ClinVar aggregate classification (germline): Uncertain significance (1 of 4 stars; one submission).

Submission:

GeneDx
Classification: Uncertain significance. Last evaluated: 2024-02-14. Review status: criteria provided, single submitter. Criteria: GeneDx Variant Classification Process June 2021. Collection method: clinical testing. Allele origin: germline. Affected: yes.
Comment: Not observed at significant frequency in large population cohorts (gnomAD); In silico analysis supports that this missense variant does not alter protein structure/function; Has not been previously published as pathogenic or benign to our knowledge

NM_147196.3(TMIE):c.440A>G (p.Asn147Ser)

Gene: TMIE (transmembrane inner ear; plus strand). Cytogenetic location: 3p21.31.
Variant type: single nucleotide variant.
Coding change: c.440A>G on transcript NM_147196.3 (MANE Select); coding-DNA position 440, A replaced by G.
Protein change: p.Asn147Ser; replaces asparagine 147 with serine.
Molecular consequence: missense variant.
Genome position (GRCh38, 1-based): chr3:46,709,657, A>G. VCF-style: chr3-46709657-A-G. GRCh37 (hg19) VCF-style: chr3-46751147-A-G.
Other names: c.281A>G, p.Asn94Ser (NM_001370524.1, NM_001370525.1); short protein forms N147S, N94S.
Identifiers: ClinVar variation 3369116 (VCV003369116.1).
Genomic context (GRCh38, chr3:46,709,657, plus strand): 5'-AGAAGAAGAAGAAGGACAGTGTGGACACAGTGGCCATCAAAGTAGAGGAGGATGAGAAGA[A>G]TGAGGCCAAGAAGAAGAAAGGAGAGAAATGAAGACATCCTGGGCAGCTTGGGCTGGCGGG-3'
Protein context (NP_671729.2, residues 137-156): VAIKVEEDEK[Asn147Ser]EAKKKKGEK